The following is an entry in ClinVar:

ClinVar aggregate classification (germline): Uncertain significance (1 of 4 stars; one submission).

Submission:

Labcorp Genetics (formerly Invitae), Labcorp
Classification: Uncertain significance. Last evaluated: 2021-12-21. Review status: criteria provided, single submitter. Criteria: Invitae Variant Classification Sherloc (09022015). Collection method: clinical testing. Allele origin: germline.
Comment: In summary, the available evidence is currently insufficient to determine the role of this variant in disease. Therefore, it has been classified as a Variant of Uncertain Significance. Experimental studies and prediction algorithms are not available or were not evaluated, and the functional significance of this variant is currently unknown. This variant has not been reported in the literature in individuals affected with TMEM126A-related conditions. This variant is present in population databases (rs758895224, gnomAD 0.007%). This sequence change creates a premature translational stop signal (p.Met168Valfs*8) in the TMEM126A gene. While this is not anticipated to result in nonsense mediated decay, it is expected to disrupt the last 28 amino acid(s) of the TMEM126A protein.

NM_032273.4(TMEM126A):c.502_503del (p.Met168fs)

Gene: TMEM126A (transmembrane protein 126A; plus strand). Cytogenetic location: 11q14.1.
Variant type: Deletion.
Coding change: c.502_503del on transcript NM_032273.4 (MANE Select); coding-DNA positions 502 to 503, 2 bases deleted (AT; older notation c.502_503delAT).
Protein change: p.Met168fs; shifts the reading frame from methionine 168.
Molecular consequence: frameshift variant.
Genome position (GRCh38, 1-based): chr11:85,656,415-85,656,416, AT deleted; deleting any 2 consecutive bases within chr11:85,656,414-85,656,416 gives the same sequence; the c. name uses the placement nearest the transcript's 3' end. VCF-style (leftmost placement, unchanged base first): chr11-85656413-CTA-C. GRCh37 (hg19) VCF-style: chr11-85367457-CTA-C.
Other names: c.292_293del, p.Met98fs (NM_001244735.2); short protein forms M98fs, M168fs.
Identifiers: ClinVar variation 1920105 (VCV001920105.5), dbSNP rs758895224, ClinGen allele CA6212834.
Genomic context (GRCh38, chr11:85,656,413, plus strand): 5'-ACTGGATTAGAACTTCTAAGCCTGTCTTTAGAAAGATGTTATTTCCTATTTTGCTCCAGA[CTA>C]TGTTTTCAGCATACCTTGGGTCTGAACAATATAAACTACTTATAAAGGCCCTTCAGTTAT-3'